The following is an entry in ClinVar:

ClinVar aggregate classification (germline): Uncertain significance. Review status: criteria provided, multiple submitters, no conflicts (2 of 4 stars). 2 submissions from 2 submitters: Uncertain significance (2). Last evaluated 2022-08-22.

Submissions (2):

Labcorp Genetics (formerly Invitae), Labcorp
Classification: Uncertain significance. Last evaluated: 2022-08-22. Review status: criteria provided, single submitter. Criteria: Invitae Variant Classification Sherloc (09022015). Collection method: clinical testing. Allele origin: germline.
Comment: This variant, c.2442_2450dup, results in the insertion of 3 amino acid(s) of the COL4A2 protein (p.Met816_Gly818dup), but otherwise preserves the integrity of the reading frame. In summary, the available evidence is currently insufficient to determine the role of this variant in disease. Therefore, it has been classified as a Variant of Uncertain Significance. Experimental studies and prediction algorithms are not available or were not evaluated, and the functional significance of this variant is currently unknown. This variant has not been reported in the literature in individuals affected with COL4A2-related conditions. This variant is not present in population databases (gnomAD no frequency).

Blueprint Genetics
Classification: Uncertain significance. Last evaluated: 2021-09-17. Review status: criteria provided, single submitter. Criteria: ACMG Guidelines, 2015. Collection method: clinical testing. Allele origin: germline.

NM_001846.4(COL4A2):c.2442_2450dup (p.Gly818_Leu819insMetProGly)

Gene: COL4A2 (collagen type IV alpha 2 chain; plus strand). Cytogenetic location: 13q34.
Variant type: Duplication.
Coding change: c.2442_2450dup on transcript NM_001846.4 (MANE Select); coding-DNA positions 2442 to 2450, 9 bases duplicated (TGGGATGCC; older notation c.2442_2450dupTGGGATGCC).
Protein change: p.Gly818_Leu819insMetProGly.
Molecular consequence: inframe insertion.
Genome position (GRCh38, 1-based): chr13:110,478,019-110,478,027, TGGGATGCC duplicated; duplicating any 9 consecutive bases within chr13:110,478,011-110,478,027 gives the same sequence; the c. name uses the placement nearest the transcript's 3' end. VCF-style (leftmost placement, unchanged base first): chr13-110478010-A-AGGGATGCCT. GRCh37 (hg19) VCF-style: chr13-111130357-A-AGGGATGCCT.
Identifiers: ClinVar variation 2155777 (VCV002155777.5), dbSNP rs2139519099, ClinGen allele CA2580087168.